The following is an entry in ClinVar:

NM_006946.4(SPTBN2):c.5186T>C (p.Val1729Ala)

Gene: SPTBN2 (spectrin beta, non-erythrocytic 2; minus strand). Cytogenetic location: 11q13.2.
Variant type: single nucleotide variant.
Coding change: c.5186T>C on transcript NM_006946.4 (MANE Select); coding-DNA position 5186, T replaced by C.
Protein change: p.Val1729Ala; replaces valine 1729 with alanine.
Molecular consequence: missense variant.
Genome position (GRCh38, 1-based): chr11:66,692,540, A>G on the plus strand (T>C on the coding strand, the complement: SPTBN2 is on the minus strand). VCF-style: chr11-66692540-A-G. GRCh37 (hg19) VCF-style: chr11-66460011-A-G.
Other names: c.5207T>C, p.Val1736Ala (NM_001411025.1); short protein forms V1729A, V1736A.
Identifiers: ClinVar variation 3336408 (VCV003336408.1).

ClinVar aggregate classification (germline): Uncertain significance (1 of 4 stars; one submission).

Submission:

Women's Health and Genetics/Laboratory Corporation of America, LabCorp
Classification: Uncertain significance. Last evaluated: 2024-05-31. Review status: criteria provided, single submitter. Criteria: LabCorp Variant Classification Summary - May 2015. Collection method: clinical testing. Allele origin: germline.
Comment: Variant summary: SPTBN2 c.5186T>C (p.Val1729Ala) results in a non-conservative amino acid change in the encoded protein sequence. Four of five in-silico tools predict a damaging effect of the variant on protein function. The variant was absent in 31368 control chromosomes. The available data on variant occurrences in the general population are insufficient to allow any conclusion about variant significance. To our knowledge, no occurrence of c.5186T>C in individuals affected with Spinocerebellar Ataxia 5 and no experimental evidence demonstrating its impact on protein function have been reported. No submitters have cited clinical-significance assessments for this variant to ClinVar. Based on the evidence outlined above, the variant was classified as uncertain significance.